The following is an entry in ClinVar:

ClinVar aggregate classification (germline): Uncertain significance (1 of 4 stars; one submission).

Conditions:
Muscular dystrophy-dystroglycanopathy (congenital with impaired intellectual development), type B, 14. Also called: Muscular dystrophy-dystroglycanopathy (congenital with intellectual disability), type B14; MUSCULAR DYSTROPHY, CONGENITAL, GMPPB-RELATED; Congenital muscular dystrophy-dystroglycanopathy with mental retardation, type B14. Identifiers: MedGen C3809221, MONDO:0014141, OMIM 615351.
Autosomal recessive limb-girdle muscular dystrophy type 2T. Also called: MUSCULAR DYSTROPHY-DYSTROGLYCANOPATHY, LIMB-GIRDLE, GMPPB-RELATED; MUSCULAR DYSTROPHY, LIMB-GIRDLE, TYPE 2T; Muscular dystrophy-dystroglycanopathy (limb-girdle), type c, 14; Limb-girdle muscular dystrophy-dystroglycanopathy, type C14. Identifiers: Orphanet 363623, MedGen C4518000, MONDO:0014142, OMIM 615352.
Muscular dystrophy-dystroglycanopathy (congenital with brain and eye anomalies), type A14. Also called: WALKER-WARBURG SYNDROME OR MUSCLE-EYE-BRAIN DISEASE, GMPPB-RELATED; Muscular dystrophy-dystroglycanopathy (congenital with brain and eye anomalies), type a, 14; Congenital Muscular Dystrophy-Dystroglycanopathy with Brain and Eye Anomalies Type A 14; Congenital muscular dystrophy-dystroglycanopathy with brain and eye anomalies, type A14. Identifiers: Orphanet 588, MedGen C3809216, MONDO:0014140, OMIM 615350.

Submission:

Labcorp Genetics (formerly Invitae), Labcorp
Classification: Uncertain significance for Autosomal recessive limb-girdle muscular dystrophy type 2T; Muscular dystrophy-dystroglycanopathy (congenital with brain and eye anomalies), type A14; Muscular dystrophy-dystroglycanopathy (congenital with impaired intellectual development), type B, 14. Last evaluated: 2024-03-21. Review status: criteria provided, single submitter. Criteria: Invitae Variant Classification Sherloc (09022015). Collection method: clinical testing. Allele origin: germline.
Comment: This sequence change replaces aspartic acid, which is acidic and polar, with histidine, which is basic and polar, at codon 114 of the GMPPB protein (p.Asp114His). Information on the frequency of this variant in the gnomAD database is not available, as this variant may be reported differently in the database. This variant has not been reported in the literature in individuals affected with GMPPB-related conditions. Experimental studies and prediction algorithms are not available or were not evaluated, and the functional significance of this variant is currently unknown. In summary, the available evidence is currently insufficient to determine the role of this variant in disease. Therefore, it has been classified as a Variant of Uncertain Significance.

NM_021971.4(GMPPB):c.339_340delinsTC (p.Asp114His)

Gene: GMPPB (GDP-mannose pyrophosphorylase B; minus strand). Cytogenetic location: 3p21.31.
Variant type: Indel.
Coding change: c.339_340delinsTC on transcript NM_021971.4 (MANE Select); coding-DNA positions 339 to 340, CG replaced by TC.
Protein change: p.Asp114His; replaces aspartic acid 114 with histidine.
Molecular consequence: missense variant.
Genome position (GRCh38, 1-based): chr3:49,723,034-49,723,035, CG replaced by GA on the plus strand (CG replaced by TC on the coding strand, the reverse complement: GMPPB is on the minus strand). VCF-style: chr3-49723034-CG-GA. GRCh37 (hg19) VCF-style: chr3-49760467-CG-GA.
Other names: c.339_340delinsTC, p.Asp114His (NM_013334.4); short protein forms D114H.
Identifiers: ClinVar variation 3755460 (VCV003755460.2).
Genomic context (GRCh38, chr3:49,723,034, plus strand): 5'-GGATGGAGCCCTCCTGGCCATGGTGCCGGTGGAACTGCACCATGGCTTGGAAGGGGAAAT[CG>GA]CAGATCACGTCACTGTTGAGGACGAAGAAAGGGTCTGCAGTCTCAGAGAGTAGGTCACGG-3'
Protein context (NP_068806.2, residues 104-124): FFVLNSDVIC[Asp114His]FPFQAMVQFH